The following is an entry in ClinVar:

ClinVar aggregate classification (germline): Likely pathogenic. Review status: criteria provided, multiple submitters, no conflicts (2 of 4 stars). 2 submissions from 2 submitters: Likely pathogenic (2). Last evaluated 2025-02-14.

Conditions:
Intellectual developmental disorder, autosomal recessive 66. Also called: Intellectual disability, autosomal recessive 66; Mental retardation, autosomal recessive 66. Identifiers: MedGen C4748732, MONDO:0032605, OMIM 618221.
FERRY3-related condition.

Allele frequency attached by ClinVar (database versions not stated): ExAC 0.00002; gnomAD exomes 0.00003; gnomAD 0.00003; TOPMed 0.00004; ESP Exome Variant Server 0.00008.
gnomAD v4.1: 55 of 1,589,862 alleles (0.0035%); highest among the groups gnomAD compares: Non-Finnish European, 0.0042%; no homozygotes.

Submissions (2):

PreventionGenetics, part of Exact Sciences
Classification: Likely pathogenic for FERRY3-related condition. Last evaluated: 2025-02-14. Review status: criteria provided, single submitter. Criteria: ACMG Guidelines, 2015. Collection method: clinical testing. Allele origin: germline.
Comment: The FERRY3 c.1078C>T variant is predicted to result in premature protein termination (p.Arg360*). To our knowledge, this variant has not been reported in the literature. This variant is reported in 0.0056% of alleles in individuals of European (non-Finnish) descent in gnomAD and is interpreted as likely pathogenic in ClinVar. Nonsense variants in FERRY3 are expected to be pathogenic. This variant is interpreted as likely pathogenic.

Johns Hopkins Genomics, Johns Hopkins University
Classification: Likely pathogenic for Intellectual developmental disorder, autosomal recessive 66. Last evaluated: 2020-05-28. Review status: criteria provided, single submitter. Criteria: ACMG Guidelines, 2015. Collection method: clinical testing. Allele origin: germline.
Comment: This C12orf4 variant (rs374645146) is rare (<0.1%) in a large population dataset (gnomAD: 8/268900 total alleles; 0.003%; no homozygotes) and has not been reported previously in the literature to our knowledge. This nonsense variant results in a premature stop codon in exon 9 likely leading to nonsense?mediated decay and lack of protein production. We consider this variant to be likely pathogenic.

Literature cited by the submitters: PubMed 27311568 (cited by Johns Hopkins Genomics, Johns Hopkins University); PubMed 28097321 (cited by Johns Hopkins Genomics, Johns Hopkins University); PubMed 31334606 (cited by Johns Hopkins Genomics, Johns Hopkins University).

NM_020374.4(FERRY3):c.1078C>T (p.Arg360Ter)

Gene: FERRY3 (FERRY endosomal RAB5 effector complex subunit 3; minus strand). Cytogenetic location: 12p13.32.
Variant type: single nucleotide variant.
Coding change: c.1078C>T on transcript NM_020374.4 (MANE Select); coding-DNA position 1078, C replaced by T.
Protein change: p.Arg360Ter; replaces arginine 360 with a stop codon.
Molecular consequence: nonsense. On other transcripts: non-coding transcript variant (1), intron variant (3).
Genome position (GRCh38, 1-based): chr12:4,517,145, G>A on the plus strand (C>T on the coding strand, the complement: FERRY3 is on the minus strand). VCF-style: chr12-4517145-G-A. GRCh37 (hg19) VCF-style: chr12-4626311-G-A.
Other names: c.1078C>T (NM_020374.3); c.1078C>T, p.Arg360Ter (NM_001304811.2); c.559C>T, p.Arg187Ter (NM_001346156.2); c.226C>T, p.Arg76Ter (NM_001352962.2); c.514+913C>T (NM_001346157.2); c.1033+913C>T (NM_001346155.2, NM_001346153.2); short protein forms R187*, R360*, R76*.
Identifiers: ClinVar variation 977085 (VCV000977085.2), dbSNP rs374645146, ClinGen allele CA6396199.